The following is an entry in ClinVar:

NM_001291867.2(NHS):c.490G>A (p.Val164Ile)

Gene: NHS (NHS actin remodeling regulator; plus strand). Cytogenetic location: Xp22.2.
Variant type: single nucleotide variant.
Coding change: c.490G>A on transcript NM_001291867.2 (MANE Select); coding-DNA position 490, G replaced by A.
Protein change: p.Val164Ile; replaces valine 164 with isoleucine.
Molecular consequence: missense variant.
Genome position (GRCh38, 1-based): chrX:17,376,247, G>A. VCF-style: chrX-17376247-G-A. GRCh37 (hg19) VCF-style: chrX-17394370-G-A.
Other names: c.490G>A, p.Val164Ile (NM_198270.4); short protein forms V164I.
Identifiers: ClinVar variation 2186734 (VCV002186734.4), dbSNP rs776930086, ClinGen allele CA10358455.
Genomic context (GRCh38, chrX:17,376,247, plus strand): 5'-CGGCACGCTTGCAGCCTCTTCCAGGAGCTCGAGAGCGACATCCAGCTCACCCACCGCCGC[G>A]TCTGGGCGCTGCAGGGCAAGCTCGGCGGCGTGCAGCGCGTCCTCAGCACGCTTGACCCTA-3'
Protein context (NP_001278796.1, residues 154-174): ESDIQLTHRR[Val164Ile]WALQGKLGGV

ClinVar aggregate classification (germline): Uncertain significance (1 of 4 stars; one submission).

Conditions:
Nance-Horan syndrome (NHS). Identifiers: Orphanet 627, MedGen C0796085, MONDO:0010545, OMIM 302350.

Allele frequency attached by ClinVar (database versions not stated): gnomAD 0.00001; gnomAD exomes 0.00001; ExAC 0.00005.
gnomAD v4.1: 8 of 1,174,835 alleles (0.00068%); highest among the groups gnomAD compares: Admixed American, 0.0046%; no homozygotes.

Submission:

Labcorp Genetics (formerly Invitae), Labcorp
Classification: Uncertain significance for Nance-Horan syndrome. Last evaluated: 2023-07-07. Review status: criteria provided, single submitter. Criteria: Invitae Variant Classification Sherloc (09022015). Collection method: clinical testing. Allele origin: germline.
Comment: This sequence change replaces valine, which is neutral and non-polar, with isoleucine, which is neutral and non-polar, at codon 164 of the NHS protein (p.Val164Ile). The frequency data for this variant in the population databases is considered unreliable, as metrics indicate poor data quality at this position in the gnomAD database. This variant has not been reported in the literature in individuals affected with NHS-related conditions. ClinVar contains an entry for this variant (Variation ID: 2186734). An algorithm developed to predict the effect of missense changes on protein structure and function (PolyPhen-2) suggests that this variant is likely to be tolerated. In summary, the available evidence is currently insufficient to determine the role of this variant in disease. Therefore, it has been classified as a Variant of Uncertain Significance.